The following is an entry in ClinVar:

NM_004304.5(ALK):c.3836+1G>T

Gene: ALK (ALK receptor tyrosine kinase; minus strand). Cytogenetic location: 2p23.2.
Variant type: single nucleotide variant.
Coding change: c.3836+1G>T on transcript NM_004304.5 (MANE Select); the canonical splice donor site of the intron after coding-DNA position 3836, G replaced by T.
Molecular consequence: splice donor variant.
Genome position (GRCh38, 1-based): chr2:29,209,785, C>A on the plus strand (G>T on the coding strand, the complement: ALK is on the minus strand). VCF-style: chr2-29209785-C-A. GRCh37 (hg19) VCF-style: chr2-29432651-C-A.
Other names: c.632+1G>T (NM_001353765.2).
Identifiers: ClinVar variation 3285606 (VCV003285606.1).

ClinVar aggregate classification (germline): Uncertain significance (1 of 4 stars; one submission).

Conditions:
Hereditary cancer-predisposing syndrome. Also called: Tumor predisposition; Hereditary Cancer Syndrome; Hereditary neoplastic syndrome; Neoplastic Syndromes, Hereditary. Identifiers: Orphanet 140162, MedGen C0027672, MeSH D009386, MONDO:0015356.

Submission:

Ambry Genetics
Classification: Uncertain significance for Hereditary cancer-predisposing syndrome. Last evaluated: 2024-04-12. Review status: criteria provided, single submitter. Criteria: Ambry Variant Classification Scheme 2023. Collection method: clinical testing. Allele origin: germline.
Comment: The c.3836+1G>T intronic variant results from a G to T substitution one nucleotide after coding exon 25 of the ALK gene. This nucleotide position is highly conserved in available vertebrate species. In silico splice site analysis predicts that this alteration will weaken the native splice donor site and will result in the creation or strengthening of a novel splice donor site. Alterations that disrupt the canonical splice site are expected to cause aberrant splicing, resulting in an abnormal protein or a transcript that is subject to nonsense-mediated mRNA decay. However, loss of function of ALK has not been established as a mechanism of disease. Based on the available evidence, the clinical significance of this alteration remains unclear.